The following is an entry in ClinVar:

ClinVar aggregate classification (germline): Likely pathogenic (1 of 4 stars; one submission).

Submission:

GeneDx
Classification: Likely pathogenic. Last evaluated: 2026-03-22. Review status: criteria provided, single submitter. Criteria: GeneDx Variant Classification Process June 2021. Collection method: clinical testing. Allele origin: germline.
Comment: Has not been previously published as pathogenic or benign to our knowledge; Frameshift variant predicted to result in protein truncation or nonsense mediated decay in a gene for which loss of function is a known mechanism of disease; Not observed at significant frequency in large population cohorts (gnomAD)

NM_007208.4(MRPL3):c.438dup (p.Val147fs)

Gene: MRPL3 (mitochondrial ribosomal protein L3; minus strand). Cytogenetic location: 3q22.1.
Variant type: Duplication.
Coding change: c.438dup on transcript NM_007208.4 (MANE Select); coding-DNA position 438, one base duplicated (T; older notation c.438dupT).
Protein change: p.Val147fs; shifts the reading frame from valine 147.
Molecular consequence: frameshift variant.
Genome position (GRCh38, 1-based): chr3:131,498,209, A duplicated on the plus strand (T on the coding strand, the reverse complement: MRPL3 is on the minus strand). VCF-style (leftmost placement, unchanged base first): chr3-131498208-C-CA. GRCh37 (hg19) VCF-style: chr3-131217052-C-CA.
Other names: short protein forms V147fs.
Identifiers: ClinVar variation 5016876 (VCV005016876.1).